The following is an entry in ClinVar:

ClinVar aggregate classification (germline): not provided (0 of 4 stars; one submission).

Allele frequency attached by ClinVar (database versions not stated): TOPMed 0.00005; gnomAD 0.00006; ExAC 0.00065.
gnomAD v4.1: 175 of 1,582,730 alleles (0.011%); highest among the groups gnomAD compares: South Asian, 0.11%; 1 homozygote.

Submission:

Human Evolutionary Genetics, Institut Pasteur
No classification provided. Review status: no classification provided. Collection method: not provided. Allele origin: germline.
ClinVar note: Converted during submission from untested to not provided.

NM_178844.4(NLRC3):c.2583C>G (p.Asn861Lys)

Gene: NLRC3 (NLR family CARD domain containing 3; minus strand). Cytogenetic location: 16p13.3.
Variant type: single nucleotide variant.
Coding change: c.2583C>G on transcript NM_178844.4 (MANE Select); coding-DNA position 2583, C replaced by G.
Protein change: p.Asn861Lys; replaces asparagine 861 with lysine.
Molecular consequence: missense variant. On other transcripts: non-coding transcript variant (1).
Genome position (GRCh38, 1-based): chr16:3,549,162, G>C on the plus strand (C>G on the coding strand, the complement: NLRC3 is on the minus strand). VCF-style: chr16-3549162-G-C. GRCh37 (hg19) VCF-style: chr16-3599162-G-C.
Other names: short protein forms N861K.
Identifiers: ClinVar variation 102962 (VCV000102962.2), dbSNP rs199475943, ClinGen allele CA229927.